The following is an entry in ClinVar:

NM_005236.3(ERCC4):c.2480C>A (p.Thr827Lys)

Gene: ERCC4 (ERCC excision repair 4, endonuclease catalytic subunit; plus strand). Cytogenetic location: 16p13.12.
Variant type: single nucleotide variant.
Coding change: c.2480C>A on transcript NM_005236.3 (MANE Select); coding-DNA position 2480, C replaced by A.
Protein change: p.Thr827Lys; replaces threonine 827 with lysine.
Molecular consequence: missense variant.
Genome position (GRCh38, 1-based): chr16:13,948,076, C>A. VCF-style: chr16-13948076-C-A. GRCh37 (hg19) VCF-style: chr16-14041933-C-A.
Other names: short protein forms T827K.
Identifiers: ClinVar variation 1710946 (VCV001710946.7), dbSNP rs757931216, ClinGen allele CA278485674.

ClinVar aggregate classification (germline): Uncertain significance. Review status: criteria provided, multiple submitters, no conflicts (2 of 4 stars). 4 submissions from 3 submitters: Uncertain significance (4). Last evaluated 2026-10-01.

Conditions:
Fanconi anemia complementation group Q. Identifiers: Orphanet 84, MedGen C3808988, MONDO:0014108, OMIM 615272.
XFE progeroid syndrome (XFEPS). Also called: XPF-ERCC1 PROGEROID SYNDROME. Identifiers: MedGen C1970416, MONDO:0012590, OMIM 610965.
Xeroderma pigmentosum, group F (XPF). Also called: ERCC4-Related Xeroderma Pigmentosum; XERODERMA PIGMENTOSUM, TYPE F; Xeroderma pigmentosum, type 6; XERODERMA PIGMENTOSUM, COMPLEMENTATION GROUP F; XERODERMA PIGMENTOSUM VI; XP, GROUP F. Identifiers: MedGen C0268140, MONDO:0010215, OMIM 278760.
Cockayne syndrome. Identifiers: Orphanet 191, MedGen C0009207, MONDO:0016006.

Allele frequency attached by ClinVar (database versions not stated): TOPMed 0.00002.
gnomAD v4.1: 3 of 1,614,160 alleles (0.00019%); highest among the groups gnomAD compares: Non-Finnish European, 0.00025%; no homozygotes.

Submissions (4):

St. Jude Molecular Pathology, St. Jude Children's Research Hospital
Classification: Uncertain significance for Xeroderma pigmentosum, group F. Last evaluated: 2026-10-01. Review status: criteria provided, single submitter. Criteria: St. Jude Assertion Criteria 2020. Collection method: clinical testing. Allele origin: germline.
Comment: The ERCC4 c.2480C>A (p.Thr827Lys) missense change has a maximum subpopulation frequency of 0.00088% in gnomAD v2.1.1. The in silico tool REVEL predicts a benign effect on protein function, but to our knowledge this prediction has not been confirmed by functional studies. To our knowledge, this variant has not been reported in individuals with Fanconi anemia or Xeroderma pigmentosum. In summary, the evidence currently available is insufficient to determine the clinical significance of this variant. It has therefore been classified as of uncertain significance.

Labcorp Genetics (formerly Invitae), Labcorp
Classification: Uncertain significance for Fanconi anemia complementation group Q; Xeroderma pigmentosum, group F; Cockayne syndrome. Last evaluated: 2024-11-23. Review status: criteria provided, single submitter. Criteria: Invitae Variant Classification Sherloc (09022015). Collection method: clinical testing. Allele origin: germline.
Comment: This sequence change replaces threonine, which is neutral and polar, with lysine, which is basic and polar, at codon 827 of the ERCC4 protein (p.Thr827Lys). This variant is present in population databases (no rsID available, gnomAD 0.0009%). This variant has not been reported in the literature in individuals affected with ERCC4-related conditions. ClinVar contains an entry for this variant (Variation ID: 1710946). Invitae Evidence Modeling of protein sequence and biophysical properties (such as structural, functional, and spatial information, amino acid conservation, physicochemical variation, residue mobility, and thermodynamic stability) indicates that this missense variant is not expected to disrupt ERCC4 protein function with a negative predictive value of 80%. In summary, the available evidence is currently insufficient to determine the role of this variant in disease. Therefore, it has been classified as a Variant of Uncertain Significance.

Fulgent Genetics
Classification: Uncertain significance for Xeroderma pigmentosum, group F; XFE progeroid syndrome; Fanconi anemia complementation group Q. Last evaluated: 2024-04-13. Review status: criteria provided, single submitter. Criteria: ACMG Guidelines, 2015. Collection method: clinical testing. Allele origin: germline.

St. Jude Molecular Pathology, St. Jude Children's Research Hospital
Classification: Uncertain significance for Fanconi anemia complementation group Q. Last evaluated: 2022-09-22. Review status: criteria provided, single submitter. Criteria: St. Jude Assertion Criteria 2020. Collection method: clinical testing. Allele origin: germline.
Comment: the same text as in the submission from St. Jude Molecular Pathology, St. Jude Children's Research Hospital above.